The following is an entry in ClinVar:

NM_024490.4(ATP10A):c.1769G>T (p.Arg590Leu)

Gene: ATP10A (ATPase phospholipid transporting 10A (putative); minus strand). Cytogenetic location: 15q12.
Variant type: single nucleotide variant.
Coding change: c.1769G>T on transcript NM_024490.4 (MANE Select); coding-DNA position 1769, G replaced by T.
Protein change: p.Arg590Leu; replaces arginine 590 with leucine.
Molecular consequence: missense variant.
Genome position (GRCh38, 1-based): chr15:25,716,737, C>A on the plus strand (G>T on the coding strand, the complement: ATP10A is on the minus strand). VCF-style: chr15-25716737-C-A. GRCh37 (hg19) VCF-style: chr15-25961884-C-A.
Other names: short protein forms R590L.
Identifiers: ClinVar variation 3345029 (VCV003345029.1).

ClinVar aggregate classification (germline): Uncertain significance (0 of 4 stars; one submission).

Conditions:
ATP10A-related disorder. Also called: ATP10A-related condition.

Submission:

PreventionGenetics, part of Exact Sciences
Classification: Uncertain significance for ATP10A-related condition. Last evaluated: 2024-05-16. Review status: no assertion criteria provided. Collection method: clinical testing. Allele origin: germline.
Comment: The ATP10A c.1769G>T variant is predicted to result in the amino acid substitution p.Arg590Leu. To our knowledge, this variant has not been reported in the literature or in a large population database, indicating this variant is rare. At this time, the clinical significance of this variant is uncertain due to the absence of conclusive functional and genetic evidence.